The following is an entry in ClinVar:

ClinVar aggregate classification (germline): Uncertain significance. Review status: criteria provided, multiple submitters, no conflicts (2 of 4 stars). 2 submissions from 2 submitters: Uncertain significance (2). Last evaluated 2025-12-09.

Allele frequency attached by ClinVar (database versions not stated): gnomAD exomes 0.00001; gnomAD 0.00003; ESP Exome Variant Server 0.00009; ExAC 0.00010.
gnomAD v4.1: 12 of 1,550,106 alleles (0.00077%); highest among the groups gnomAD compares: African/African-American, 0.0027%; no homozygotes.

Submissions (2):

Women's Health and Genetics/Laboratory Corporation of America, LabCorp
Classification: Uncertain significance. Last evaluated: 2025-12-09. Review status: criteria provided, single submitter. Criteria: LabCorp Variant Classification Summary - May 2015. Collection method: clinical testing. Allele origin: germline.
Comment: Variant summary: CAMK2B c.976A>G (p.Met326Val) results in a conservative amino acid change in the encoded protein sequence. Algorithms developed to predict the effect of missense changes on protein structure and function are either unavailable or do not agree on the potential impact of this missense change. The variant allele was found at a frequency of 6.4e-06 in 155678 control chromosomes. The available data on variant occurrences in the general population are insufficient to allow any conclusion about variant significance. To our knowledge, no occurrence of c.976A>G in individuals affected with CAMK2B-related conditions and no experimental evidence demonstrating its impact on protein function have been reported. ClinVar contains an entry for this variant (Variation ID: 1912354). Based on the evidence outlined above, the variant was classified as uncertain significance.

Labcorp Genetics (formerly Invitae), Labcorp
Classification: Uncertain significance. Last evaluated: 2024-07-31. Review status: criteria provided, single submitter. Criteria: Invitae Variant Classification Sherloc (09022015). Collection method: clinical testing. Allele origin: germline.
Comment: This sequence change replaces methionine, which is neutral and non-polar, with valine, which is neutral and non-polar, at codon 326 of the CAMK2B protein (p.Met326Val). This variant is present in population databases (rs369063061, gnomAD 0.02%). This variant has not been reported in the literature in individuals affected with CAMK2B-related conditions. ClinVar contains an entry for this variant (Variation ID: 1912354). An algorithm developed to predict the effect of missense changes on protein structure and function outputs the following: PolyPhen-2: "Benign". The valine amino acid residue is found in multiple mammalian species, which suggests that this missense change does not adversely affect protein function. In summary, the available evidence is currently insufficient to determine the role of this variant in disease. Therefore, it has been classified as a Variant of Uncertain Significance.

NM_001220.5(CAMK2B):c.976A>G (p.Met326Val)

Gene: CAMK2B (calcium/calmodulin dependent protein kinase II beta; minus strand). Cytogenetic location: 7p13.
Variant type: single nucleotide variant.
Coding change: c.976A>G on transcript NM_001220.5 (MANE Select); coding-DNA position 976, A replaced by G.
Protein change: p.Met326Val; replaces methionine 326 with valine.
Molecular consequence: missense variant. On other transcripts: intron variant (5).
Genome position (GRCh38, 1-based): chr7:44,239,634, T>C on the plus strand (A>G on the coding strand, the complement: CAMK2B is on the minus strand). VCF-style: chr7-44239634-T-C. GRCh37 (hg19) VCF-style: chr7-44279233-T-C.
Other names: c.976A>G, p.Met326Val (NM_001293170.2, NM_172078.3, NM_172082.3); c.946+1073A>G (NM_172084.3, NM_172080.3, NM_172083.3 and 2 more transcripts); short protein forms M326V.
Identifiers: ClinVar variation 1912354 (VCV001912354.6), dbSNP rs369063061, ClinGen allele CA4240520.